The following is an entry in ClinVar:

NM_001414002.2(SSU72L5):c.129G>A (p.Arg43=)

Gene: SSU72L5 (SSU72 like 5; plus strand). Cytogenetic location: 11p15.4.
Variant type: single nucleotide variant.
Coding change: c.129G>A on transcript NM_001414002.2 (MANE Select); coding-DNA position 129, G replaced by A.
Protein change: p.Arg43=; no amino-acid change (arginine 43 retained).
Molecular consequence: synonymous variant.
Genome position (GRCh38, 1-based): chr11:4,233,416, G>A. VCF-style: chr11-4233416-G-A. GRCh37 (hg19) VCF-style: chr11-4254646-G-A.
Identifiers: ClinVar variation 4534199 (VCV004534199.6).

ClinVar aggregate classification (germline): Likely benign (1 of 4 stars; one submission).

Submission:

CeGaT Center for Human Genetics Tuebingen
Classification: Likely benign. Last evaluated: 2025-11-01. Review status: criteria provided, single submitter. Criteria: CeGaT Center For Human Genetics Tuebingen Variant Classification Criteria Version 2. Collection method: clinical testing. Allele origin: germline. Affected: yes. Observed: 1 variant allele.
Comment: SSU72L5: BP4, BP7